The following is an entry in ClinVar:

ClinVar aggregate classification (germline): Uncertain significance. Review status: criteria provided, multiple submitters, no conflicts (2 of 4 stars). 2 submissions from 2 submitters: Uncertain significance (2). Last evaluated 2025-12-01.

Allele frequency attached by ClinVar (database versions not stated): TOPMed below 0.00001; gnomAD exomes 0.00001.
gnomAD v4.1: 3 of 1,613,808 alleles (0.00019%); highest among the groups gnomAD compares: East Asian, 0.0045%; no homozygotes.

Submissions (2):

Labcorp Genetics (formerly Invitae), Labcorp
Classification: Uncertain significance. Last evaluated: 2025-12-01. Review status: criteria provided, single submitter. Criteria: Invitae Variant Classification Sherloc (09022015). Collection method: clinical testing. Allele origin: germline.
Comment: This sequence change replaces valine, which is neutral and non-polar, with methionine, which is neutral and non-polar, at codon 15 of the RPS20 protein (p.Val15Met). This variant is not present in population databases (gnomAD no frequency). This variant has not been reported in the literature in individuals affected with RPS20-related conditions. ClinVar contains an entry for this variant (Variation ID: 1064370). An algorithm developed to predict the effect of missense changes on protein structure and function (PolyPhen-2) suggests that this variant is likely to be tolerated. In summary, the available evidence is currently insufficient to determine the role of this variant in disease. Therefore, it has been classified as a Variant of Uncertain Significance.

Ambry Genetics
Classification: Uncertain significance. Last evaluated: 2022-11-10. Review status: criteria provided, single submitter. Criteria: Ambry Variant Classification Scheme 2023. Collection method: clinical testing. Allele origin: germline.
Comment: The p.V15M variant (also known as c.43G>A), located in coding exon 2 of the RPS20 gene, results from a G to A substitution at nucleotide position 43. The valine at codon 15 is replaced by methionine, an amino acid with highly similar properties. This amino acid position is conserved. In addition, the in silico prediction for this alteration is inconclusive. Since supporting evidence is limited at this time, the clinical significance of this alteration remains unclear.

NM_001023.4(RPS20):c.43G>A (p.Val15Met)

Gene: RPS20 (ribosomal protein S20; minus strand). Cytogenetic location: 8q12.1.
Variant type: single nucleotide variant.
Coding change: c.43G>A on transcript NM_001023.4 (MANE Select); coding-DNA position 43, G replaced by A.
Protein change: p.Val15Met; replaces valine 15 with methionine.
Molecular consequence: missense variant.
Genome position (GRCh38, 1-based): chr8:56,074,120, C>T on the plus strand (G>A on the coding strand, the complement: RPS20 is on the minus strand). VCF-style: chr8-56074120-C-T. GRCh37 (hg19) VCF-style: chr8-56986679-C-T.
Other names: c.43G>A, p.Val15Met (NM_001146227.3); c.43G>A (NM_001023.3); short protein forms V15M.
Identifiers: ClinVar variation 1064370 (VCV001064370.10), dbSNP rs1438474501, ClinGen allele CA371283963.
Genomic context (GRCh38, chr8:56,074,120, plus strand): 5'-CCTTTTCCAAGGATTTTACGTTGCGGCTTGTTAGGGTGATTCGAATTCGGTGAATTGCCA[C>T]CTCCGGCTCCACGGGTGTTTTTCCGGTATCCTTAAAAGCCTATTATTAGATACATGAAAA-3'
Protein context (NP_001014.1, residues 5-25): DTGKTPVEPE[Val15Met]AIHRIRITLT